The following is an entry in ClinVar:

NM_000051.4(ATM):c.8480T>C (p.Phe2827Ser)

Genes: ATM (ATM serine/threonine kinase; plus strand), C11orf65 (chromosome 11 open reading frame 65; minus strand). Cytogenetic location: 11q22.3.
Variant type: single nucleotide variant.
Coding change: c.8480T>C on transcript NM_000051.4 (MANE Select); coding-DNA position 8480, T replaced by C.
Protein change: p.Phe2827Ser; replaces phenylalanine 2827 with serine.
Molecular consequence: missense variant. On other transcripts: intron variant (2).
Genome position (GRCh38, 1-based): chr11:108,345,804, T>C. VCF-style: chr11-108345804-T-C. GRCh37 (hg19) VCF-style: chr11-108216531-T-C.
Other names: c.8480T>C, p.Phe2827Ser (NM_001351834.2); c.641-36733A>G (NM_001330368.2); c.695-10512A>G (NM_001351110.2); short protein forms F2827S.
Identifiers: ClinVar variation 3802876 (VCV003802876.1).

ClinVar aggregate classification (germline): Uncertain significance (1 of 4 stars; one submission).

Conditions:
Hereditary cancer-predisposing syndrome. Also called: Neoplastic Syndromes, Hereditary; Tumor predisposition; Hereditary Cancer Syndrome; Hereditary neoplastic syndrome. Identifiers: Orphanet 140162, MedGen C0027672, MeSH D009386, MONDO:0015356.

Submission:

Ambry Genetics
Classification: Uncertain significance for Hereditary cancer-predisposing syndrome. Last evaluated: 2025-03-06. Review status: criteria provided, single submitter. Criteria: Ambry Variant Classification Scheme 2023. Collection method: clinical testing. Allele origin: germline.
Comment: The p.F2827S variant (also known as c.8480T>C), located in coding exon 57 of the ATM gene, results from a T to C substitution at nucleotide position 8480. The phenylalanine at codon 2827 is replaced by serine, an amino acid with highly dissimilar properties. This amino acid position is highly conserved in available vertebrate species. In addition, this alteration is predicted to be deleterious by in silico analysis. Based on the available evidence, the clinical significance of this variant remains unclear.